The following is an entry in ClinVar:

ClinVar aggregate classification (germline): Uncertain significance (1 of 4 stars; one submission).

Conditions:
Adams-Oliver syndrome 5 (AOS5). Identifiers: Orphanet 974, MedGen C4014970, MONDO:0014459, OMIM 616028.

gnomAD v4.1: 1 of 1,612,800 alleles (0.000062%); highest among the groups gnomAD compares: Non-Finnish European, 0.000085%; no homozygotes.

Submission:

Labcorp Genetics (formerly Invitae), Labcorp
Classification: Uncertain significance for Adams-Oliver syndrome 5. Last evaluated: 2023-12-05. Review status: criteria provided, single submitter. Criteria: Invitae Variant Classification Sherloc (09022015). Collection method: clinical testing. Allele origin: germline.
Comment: This sequence change replaces serine, which is neutral and polar, with cysteine, which is neutral and slightly polar, at codon 847 of the NOTCH1 protein (p.Ser847Cys). This variant is not present in population databases (gnomAD no frequency). This variant has not been reported in the literature in individuals affected with NOTCH1-related conditions. Advanced modeling of protein sequence and biophysical properties (such as structural, functional, and spatial information, amino acid conservation, physicochemical variation, residue mobility, and thermodynamic stability) performed at Invitae indicates that this missense variant is not expected to disrupt NOTCH1 protein function with a negative predictive value of 95%. In summary, the available evidence is currently insufficient to determine the role of this variant in disease. Therefore, it has been classified as a Variant of Uncertain Significance.

NM_017617.5(NOTCH1):c.2540C>G (p.Ser847Cys)

Gene: NOTCH1 (notch receptor 1; minus strand). Cytogenetic location: 9q34.3.
Variant type: single nucleotide variant.
Coding change: c.2540C>G on transcript NM_017617.5 (MANE Select); coding-DNA position 2540, C replaced by G.
Protein change: p.Ser847Cys; replaces serine 847 with cysteine.
Molecular consequence: missense variant.
Genome position (GRCh38, 1-based): chr9:136,511,199, G>C on the plus strand (C>G on the coding strand, the complement: NOTCH1 is on the minus strand). VCF-style: chr9-136511199-G-C. GRCh37 (hg19) VCF-style: chr9-139405651-G-C.
Other names: short protein forms S847C.
Identifiers: ClinVar variation 2699760 (VCV002699760.3), dbSNP rs751138076, ClinGen allele CA375555357.